The following is an entry in ClinVar:

ClinVar aggregate classification (germline): Benign/Likely benign. Review status: criteria provided, multiple submitters, no conflicts (2 of 4 stars). 4 submissions from 4 submitters: Benign (2); Likely benign (2). Last evaluated 2026-01-08.

Allele frequency attached by ClinVar (database versions not stated): gnomAD exomes 0.00126 and 0.00344; ExAC 0.00468; gnomAD 0.01363 and 0.01485; 1000 Genomes Project 30x 0.01405; 1000 Genomes Project 0.01438; ESP Exome Variant Server 0.01662.
gnomAD v4.1: 4,026 of 1,613,802 alleles (0.25%); highest among the groups gnomAD compares: African/African-American, 4.8%; 9 homozygotes.

Submissions (4):

Labcorp Genetics (formerly Invitae), Labcorp
Classification: Benign. Last evaluated: 2026-01-08. Review status: criteria provided, single submitter. Criteria: Invitae Variant Classification Sherloc (09022015). Collection method: clinical testing. Allele origin: germline.

Mayo Clinic Laboratories, Mayo Clinic
Classification: Likely benign. Last evaluated: 2025-04-09. Review status: criteria provided, single submitter. Criteria: ACMG Guidelines, 2015. Collection method: clinical testing. Allele origin: germline. Observed: 13 variant alleles.
Comment: BA1, BP4

Blueprint Genetics
Classification: Likely benign. Last evaluated: 2024-11-26. Review status: criteria provided, single submitter. Criteria: ACMG Guidelines, 2015. Collection method: clinical testing. Allele origin: germline.

Breakthrough Genomics
Classification: Benign. Review status: criteria provided, single submitter. Criteria: ACMG Guidelines, 2015. Collection method: not provided. Allele origin: germline. Inheritance: Autosomal recessive inheritance. Affected: yes.

NM_018116.4(MSTO1):c.1327T>C (p.Cys443Arg)

Gene: MSTO1 (misato mitochondrial distribution and morphology regulator 1; plus strand). Cytogenetic location: 1q22.
Variant type: single nucleotide variant.
Coding change: c.1327T>C on transcript NM_018116.4 (MANE Select); coding-DNA position 1327, T replaced by C.
Protein change: p.Cys443Arg; replaces cysteine 443 with arginine.
Molecular consequence: missense variant. On other transcripts: non-coding transcript variant (6).
Genome position (GRCh38, 1-based): chr1:155,613,505, T>C. VCF-style: chr1-155613505-T-C. GRCh37 (hg19) VCF-style: chr1-155583296-T-C.
Other names: p.Cys443Arg; c.1327T>C, p.Cys443Arg (NM_001256532.1, NM_001256533.1, NM_001350772.1 and 1 more transcripts); c.1364T>C, p.Met455Thr (NM_001350773.1, NM_001350774.1); c.1162T>C, p.Cys388Arg (NM_001350776.1); c.796T>C, p.Cys266Arg (NM_001350777.1, NM_001350778.1, NM_001350779.1); c.793T>C, p.Cys265Arg (NM_001350780.1, NM_001350781.1, NM_001350782.1 and 2 more transcripts); c.784T>C, p.Cys262Arg (NM_001350784.1, NM_001350785.1, NM_001350787.1 and 1 more transcripts); c.830T>C, p.Met277Thr (NM_001350786.1); short protein forms C262R, C266R, M277T, C388R, C443R, M455T, C265R.
Identifiers: ClinVar variation 711293 (VCV000711293.13), dbSNP rs112258960, ClinGen allele CA1148193.